The following is an entry in ClinVar:

NM_004370.6(COL12A1):c.7250G>T (p.Trp2417Leu)

Genes: COL12A1 (collagen type XII alpha 1 chain; minus strand), LOC126859712 (MED14-independent group 3 enhancer GRCh37_chr6:75828643-75829842; plus strand). Cytogenetic location: 6q13.
Variant type: single nucleotide variant.
Coding change: c.7250G>T on transcript NM_004370.6 (MANE Select); coding-DNA position 7250, G replaced by T.
Protein change: p.Trp2417Leu; replaces tryptophan 2417 with leucine.
Molecular consequence: missense variant.
Genome position (GRCh38, 1-based): chr6:75,119,147, C>A on the plus strand (G>T on the coding strand, the complement: COL12A1 is on the minus strand). VCF-style: chr6-75119147-C-A. GRCh37 (hg19) VCF-style: chr6-75828863-C-A.
Other names: p.Trp2417Leu; c.3758G>T, p.Trp1253Leu (NM_080645.3); short protein forms W1253L, W2417L.
Identifiers: ClinVar variation 1408545 (VCV001408545.10), dbSNP rs755614789, ClinGen allele CA141013901.

ClinVar aggregate classification (germline): Uncertain significance. Review status: criteria provided, multiple submitters, no conflicts (2 of 4 stars). 3 submissions from 3 submitters: Uncertain significance (3). Last evaluated 2026-04-29.

Conditions:
Bethlem myopathy 2 (BTHLM2). Identifiers: Orphanet 536516, Orphanet 610, MedGen C4225313, MONDO:0034022, OMIM 616471.
Ullrich congenital muscular dystrophy 2 (UCMD2). Identifiers: Orphanet 75840, MedGen C4225314, MONDO:0014654, OMIM 616470.

Allele frequency attached by ClinVar (database versions not stated): gnomAD exomes below 0.00001 and 0.00004; gnomAD 0.00001; TOPMed 0.00001.
gnomAD v4.1: 54 of 1,613,842 alleles (0.0033%); highest among the groups gnomAD compares: Non-Finnish European, 0.0045%; no homozygotes.

Submissions (3):

Women's Health and Genetics/Laboratory Corporation of America, LabCorp
Classification: Uncertain significance. Last evaluated: 2026-04-29. Review status: criteria provided, single submitter. Criteria: LabCorp Variant Classification Summary - May 2015. Collection method: clinical testing. Allele origin: germline.
Comment: Variant summary: COL12A1 c.7250G>T (p.Trp2417Leu) results in a non-conservative amino acid change located in the von Willebrand factor, type A repeat domain (IPR002035) of the encoded protein sequence. Algorithms developed to predict the effect of missense changes on protein structure and function are either unavailable or do not agree on the potential impact of this missense change. The variant allele was found at a frequency of 3.4e-05 in 1606846 control chromosomes in the gnomAD database (v4.1 dataset). This frequency is not significantly higher than estimated for disease-causing variants in COL12A1, allowing no conclusion about variant significance. To our knowledge, no occurrence of c.7250G>T in individuals affected with COL12A1-related conditions and no experimental evidence demonstrating its impact on protein function have been reported. ClinVar contains an entry for this variant (Variation ID: 1408545). Based on the evidence outlined above, the variant was classified as uncertain significance.

Labcorp Genetics (formerly Invitae), Labcorp
Classification: Uncertain significance for Bethlem myopathy 2; Ullrich congenital muscular dystrophy 2. Last evaluated: 2026-01-19. Review status: criteria provided, single submitter. Criteria: Invitae Variant Classification Sherloc (09022015). Collection method: clinical testing. Allele origin: germline.
Comment: This sequence change replaces tryptophan, which is neutral and slightly polar, with leucine, which is neutral and non-polar, at codon 2417 of the COL12A1 protein (p.Trp2417Leu). This variant is present in population databases (rs755614789, gnomAD 0.0009%). This variant has not been reported in the literature in individuals affected with COL12A1-related conditions. ClinVar contains an entry for this variant (Variation ID: 1408545). Invitae Evidence Modeling of protein sequence and biophysical properties (such as structural, functional, and spatial information, amino acid conservation, physicochemical variation, residue mobility, and thermodynamic stability) indicates that this missense variant is not expected to disrupt COL12A1 protein function with a negative predictive value of 80%. In summary, the available evidence is currently insufficient to determine the role of this variant in disease. Therefore, it has been classified as a Variant of Uncertain Significance.

Mayo Clinic Laboratories, Mayo Clinic
Classification: Uncertain significance. Last evaluated: 2023-11-24. Review status: criteria provided, single submitter. Criteria: ACMG Guidelines, 2015. Collection method: clinical testing. Allele origin: germline. Observed: 1 variant allele.
Comment: PM2